The following is an entry in ClinVar:

NM_000088.4(COL1A1):c.2566G>T (p.Val856Phe)

Gene: COL1A1 (collagen type I alpha 1 chain; minus strand). Cytogenetic location: 17q21.33.
Variant type: single nucleotide variant.
Coding change: c.2566G>T on transcript NM_000088.4 (MANE Select); coding-DNA position 2566, G replaced by T.
Protein change: p.Val856Phe; replaces valine 856 with phenylalanine.
Molecular consequence: missense variant.
Genome position (GRCh38, 1-based): chr17:50,189,906, C>A on the plus strand (G>T on the coding strand, the complement: COL1A1 is on the minus strand). VCF-style: chr17-50189906-C-A. GRCh37 (hg19) VCF-style: chr17-48267267-C-A.
Other names: short protein forms V856F.
Identifiers: ClinVar variation 4749089 (VCV004749089.1).

ClinVar aggregate classification (germline): Uncertain significance (1 of 4 stars; one submission).

Conditions:
Osteogenesis imperfecta type I (OI1). Also called: Lobstein's Disease; Lobstein disease; Classic Non-deforming Osteogenesis Imperfecta with Blue Sclerae; OI, TYPE I; OSTEOGENESIS IMPERFECTA TARDA; OSTEOGENESIS IMPERFECTA WITH BLUE SCLERAE. Identifiers: Orphanet 216796, Orphanet 666, MedGen C0023931, MONDO:0008146, OMIM 166200. Disease mechanism: loss of function.

Submission:

Labcorp Genetics (formerly Invitae), Labcorp
Classification: Uncertain significance for Osteogenesis imperfecta type I. Last evaluated: 2025-07-06. Review status: criteria provided, single submitter. Criteria: Invitae Variant Classification Sherloc (09022015). Collection method: clinical testing. Allele origin: germline.
Comment: This sequence change replaces valine, which is neutral and non-polar, with phenylalanine, which is neutral and non-polar, at codon 856 of the COL1A1 protein (p.Val856Phe). This variant is not present in population databases (gnomAD no frequency). This variant has not been reported in the literature in individuals affected with COL1A1-related conditions. Invitae Evidence Modeling of protein sequence and biophysical properties (such as structural, functional, and spatial information, amino acid conservation, physicochemical variation, residue mobility, and thermodynamic stability) indicates that this missense variant is not expected to disrupt COL1A1 protein function with a negative predictive value of 95%. In summary, the available evidence is currently insufficient to determine the role of this variant in disease. Therefore, it has been classified as a Variant of Uncertain Significance.